The following is an entry in ClinVar:

NM_015046.7(SETX):c.6421dup (p.Gln2141fs)

Gene: SETX (senataxin; minus strand). Cytogenetic location: 9q34.13.
Variant type: Duplication.
Coding change: c.6421dup on transcript NM_015046.7 (MANE Select); coding-DNA position 6421, one base duplicated (C; older notation c.6421dupC).
Protein change: p.Gln2141fs; shifts the reading frame from glutamine 2141.
Molecular consequence: frameshift variant.
Genome position (GRCh38, 1-based): chr9:132,283,389, G duplicated on the plus strand (C on the coding strand, the reverse complement: SETX is on the minus strand). VCF-style (leftmost placement, unchanged base first): chr9-132283388-T-TG. GRCh37 (hg19) VCF-style: chr9-135158775-T-TG.
Other names: c.6421dup, p.Gln2141fs (NM_001351527.2, NM_001351528.2); c.6421dupC (NM_015046.5); short protein forms Q2141fs.
Identifiers: ClinVar variation 3376817 (VCV003376817.1).

ClinVar aggregate classification (germline): Pathogenic (1 of 4 stars; one submission).

Conditions:
Spinocerebellar ataxia, autosomal recessive, with axonal neuropathy 2 (SCAN2). Also called: Ataxia-ocular apraxia-2; Ataxia with Oculomotor Apraxia Type 2; Ataxia with Oculomotor Apraxia; ATAXIA-OCULOMOTOR APRAXIA 2. Identifiers: Orphanet 64753, MedGen C1853761, MONDO:0018996, OMIM 606002.

Submission:

Victorian Clinical Genetics Services, Murdoch Childrens Research Institute
Classification: Pathogenic for Spinocerebellar ataxia, autosomal recessive, with axonal neuropathy 2. Last evaluated: 2022-06-24. Review status: criteria provided, single submitter. Criteria: ACMG Guidelines, 2015. Collection method: clinical testing. Allele origin: germline. Inheritance: Autosomal recessive inheritance.
Comment: Based on the classification scheme VCGS_Germline_v1.3.4, this variant is classified as Pathogenic. Following criteria are met: 0102 - Loss of function is a known mechanism of disease in this gene and is associated with spinocerebellar ataxia with axonal neuropathy 2 (MIM#606002). The mechanism for juvenile amyotrophic lateral sclerosis 4 (MIM#602433) has not been established, but both gain of function and dominant negative mechanisms have been speculated. Missense variants have been reported in patients with both conditions (OMIM, PMID: 23129421, 16644229, 30052327). (I) 0108 - This gene is associated with both recessive and dominant disease (OMIM). (I) 0201 - Variant is predicted to cause nonsense-mediated decay (NMD) and loss of protein (premature termination codon is located at least 54 nucleotides upstream of the final exon-exon junction). (SP) 0252 - This variant is homozygous. (I) 0301 - Variant is absent from gnomAD (both v2 and v3). (SP) 0701 - Other NMD-predicted variants comparable to the one identified in this case have very strong previous evidence for pathogenicity, and have been observed in homozygous or compound heterozygous states (DECIPHER, PMID: 23941260). (SP) 0807 - This variant has no previous evidence of pathogenicity. (I) 0905 - No published segregation evidence has been identified for this variant. (I) 1007 - No published functional evidence has been identified for this variant. (I) 1101 - Very strong and specific phenotype match for this individual. (SP) 1208 - Inheritance information for this variant is not currently available in this individual. (I) Legend: (SP) - Supporting pathogenic, (I) - Information, (SB) - Supporting benign

Literature cited by the submitters: PubMed 16644229; PubMed 23129421; PubMed 23941260; PubMed 30052327.